The following is an entry in ClinVar:

ClinVar aggregate classification (germline): Uncertain significance (1 of 4 stars; one submission).

Submission:

GeneDx
Classification: Uncertain significance. Last evaluated: 2025-08-02. Review status: criteria provided, single submitter. Criteria: GeneDx Variant Classification Process June 2021. Collection method: clinical testing. Allele origin: germline. Affected: yes.
Comment: Not observed at significant frequency in large population cohorts (gnomAD); In silico analysis supports that this missense variant has a deleterious effect on protein structure/function; Has not been previously published as pathogenic or benign to our knowledge

NM_001395159.1(UNC79):c.6713C>G (p.Pro2238Arg)

Gene: UNC79 (unc-79 subunit of NALCN channel complex; plus strand). Cytogenetic location: 14q32.12.
Variant type: single nucleotide variant.
Coding change: c.6713C>G on transcript NM_001395159.1 (MANE Select); coding-DNA position 6713, C replaced by G.
Protein change: p.Pro2238Arg; replaces proline 2238 with arginine.
Molecular consequence: missense variant.
Genome position (GRCh38, 1-based): chr14:93,655,331, C>G. VCF-style: chr14-93655331-C-G. GRCh37 (hg19) VCF-style: chr14-94121677-C-G.
Other names: c.6647C>G, p.Pro2216Arg (NM_001346218.2); c.5966C>G, p.Pro1989Arg (NM_020818.5); short protein forms P1989R, P2216R, P2238R.
Identifiers: ClinVar variation 4690205 (VCV004690205.1).